The following is an entry in ClinVar:

ClinVar aggregate classification (germline): Likely benign (0 of 4 stars; one submission).

Conditions:
KIRREL1-related disorder. Also called: KIRREL1-related condition.

Allele frequency attached by ClinVar (database versions not stated): gnomAD exomes 0.00021; ExAC 0.00065; 1000 Genomes Project 30x 0.00156; 1000 Genomes Project 0.00180; gnomAD 0.00181; TOPMed 0.00216; ESP Exome Variant Server 0.00231.
gnomAD v4.1: 580 of 1,613,730 alleles (0.036%); highest among the groups gnomAD compares: African/African-American, 0.66%; 2 homozygotes.

Submission:

PreventionGenetics, part of Exact Sciences
Classification: Likely benign for KIRREL1-related condition. Last evaluated: 2022-08-07. Review status: no assertion criteria provided. Collection method: clinical testing. Allele origin: germline.
Comment: This variant is classified as likely benign based on ACMG/AMP sequence variant interpretation guidelines (Richards et al. 2015 PMID: 25741868, with internal and published modifications).

NM_018240.7(KIRREL1):c.1902C>T (p.Asp634=)

Gene: KIRREL1 (kirre like nephrin family adhesion molecule 1; plus strand). Cytogenetic location: 1q23.1.
Variant type: single nucleotide variant.
Coding change: c.1902C>T on transcript NM_018240.7 (MANE Select); coding-DNA position 1902, C replaced by T.
Protein change: p.Asp634=; no amino-acid change (aspartic acid 634 retained).
Molecular consequence: synonymous variant.
Genome position (GRCh38, 1-based): chr1:158,094,748, C>T. VCF-style: chr1-158094748-C-T. GRCh37 (hg19) VCF-style: chr1-158064538-C-T.
Other names: c.1602C>T, p.Asp534= (NM_001286349.2).
Identifiers: ClinVar variation 3041781 (VCV003041781.2), dbSNP rs142272439, ClinGen allele CA1177830.